The following is an entry in ClinVar:

NM_004104.5(FASN):c.4316G>A (p.Arg1439Gln)

Gene: FASN (fatty acid synthase; minus strand). Cytogenetic location: 17q25.3.
Variant type: single nucleotide variant.
Coding change: c.4316G>A on transcript NM_004104.5 (MANE Select); coding-DNA position 4316, G replaced by A.
Protein change: p.Arg1439Gln; replaces arginine 1439 with glutamine.
Molecular consequence: missense variant.
Genome position (GRCh38, 1-based): chr17:82,085,128, C>T on the plus strand (G>A on the coding strand, the complement: FASN is on the minus strand). VCF-style: chr17-82085128-C-T. GRCh37 (hg19) VCF-style: chr17-80043004-C-T.
Other names: short protein forms R1439Q.
Identifiers: ClinVar variation 1063367 (VCV001063367.9), dbSNP rs774722489, ClinGen allele CA8852090.

ClinVar aggregate classification (germline): Uncertain significance (1 of 4 stars; one submission).

Conditions:
Epileptic encephalopathy. Identifiers: MedGen C0543888, HP:0200134.

Allele frequency attached by ClinVar (database versions not stated): TOPMed 0.00002; gnomAD 0.00004.
gnomAD v4.1: 61 of 1,611,136 alleles (0.0038%); highest among the groups gnomAD compares: South Asian, 0.0044%; no homozygotes.

Submission:

Labcorp Genetics (formerly Invitae), Labcorp
Classification: Uncertain significance for Epileptic encephalopathy. Last evaluated: 2020-09-01. Review status: criteria provided, single submitter. Criteria: Invitae Variant Classification Sherloc (09022015). Collection method: clinical testing. Allele origin: germline.
Comment: In summary, the available evidence is currently insufficient to determine the role of this variant in disease. Therefore, it has been classified as a Variant of Uncertain Significance. Algorithms developed to predict the effect of missense changes on protein structure and function output the following: SIFT: "Tolerated"; PolyPhen-2: "Benign"; Align-GVGD: "Class C0". The glutamine amino acid residue is found in multiple mammalian species, suggesting that this missense change does not adversely affect protein function. These predictions have not been confirmed by published functional studies and their clinical significance is uncertain. This variant has not been reported in the literature in individuals with FASN-related conditions. This variant is present in population databases (rs774722489, ExAC 0.01%). This sequence change replaces arginine with glutamine at codon 1439 of the FASN protein (p.Arg1439Gln). The arginine residue is weakly conserved and there is a small physicochemical difference between arginine and glutamine.